The following is an entry in ClinVar:

ClinVar aggregate classification (germline): Conflicting classifications of pathogenicity. Review status: criteria provided, conflicting classifications (1 of 4 stars). 3 submissions from 3 submitters: Pathogenic (1); Likely pathogenic (1); Uncertain significance (1). Last evaluated 2026-07-21.

Conditions:
Fetal anomalies with a likely genetic cause.

gnomAD v4.1: 2 of 1,614,112 alleles (0.00012%); highest among the groups gnomAD compares: African/African-American, 0.0013%; no homozygotes.

Submissions (3):

Genetics Laboratory, Great Ormond Street Hospital NHS Foundation Trust, North Thames Genomic Laboratory Hub
Classification: Likely pathogenic for Fetal anomalies with a likely genetic cause. Last evaluated: 2026-07-21. Review status: criteria provided, single submitter. Criteria: ACGS Best Practice Guidelines for Variant Classification in Rare Disease 2024 v1.2. Collection method: clinical testing. Allele origin: germline. Affected: yes.
Comment: PM2_moderate, PP3_supporting, PM5_supporting, PM3_moderate, PP4_supporting

Revvity Omics, Revvity
Classification: Pathogenic. Last evaluated: 2024-11-12. Review status: criteria provided, single submitter. Criteria: ACMG Guidelines, 2015. Collection method: clinical testing. Allele origin: germline.

Blueprint Genetics
Classification: Uncertain significance. Last evaluated: 2021-02-23. Review status: criteria provided, single submitter. Criteria: ACMG Guidelines, 2015. Collection method: clinical testing. Allele origin: germline.

NM_000298.6(PKLR):c.1010G>A (p.Arg337Gln)

Gene: PKLR (pyruvate kinase L/R; minus strand). Cytogenetic location: 1q22.
Variant type: single nucleotide variant.
Coding change: c.1010G>A on transcript NM_000298.6 (MANE Select); coding-DNA position 1010, G replaced by A.
Protein change: p.Arg337Gln; replaces arginine 337 with glutamine.
Molecular consequence: missense variant.
Genome position (GRCh38, 1-based): chr1:155,294,341, C>T on the plus strand (G>A on the coding strand, the complement: PKLR is on the minus strand). VCF-style: chr1-155294341-C-T. GRCh37 (hg19) VCF-style: chr1-155264132-C-T.
Other names: c.917G>A, p.Arg306Gln (NM_181871.4); short protein forms R306Q, R337Q.
Identifiers: ClinVar variation 4080874 (VCV004080874.3).